The following is an entry in ClinVar:

NM_016203.4(PRKAG2):c.811T>C (p.Tyr271His)

Gene: PRKAG2 (protein kinase AMP-activated non-catalytic subunit gamma 2; minus strand). Cytogenetic location: 7q36.1.
Variant type: single nucleotide variant.
Coding change: c.811T>C on transcript NM_016203.4 (MANE Select); coding-DNA position 811, T replaced by C.
Protein change: p.Tyr271His; replaces tyrosine 271 with histidine.
Molecular consequence: missense variant.
Genome position (GRCh38, 1-based): chr7:151,595,398, A>G on the plus strand (T>C on the coding strand, the complement: PRKAG2 is on the minus strand). VCF-style: chr7-151595398-A-G. GRCh37 (hg19) VCF-style: chr7-151292484-A-G.
Other names: c.136T>C, p.Tyr46His (NM_001407038.1); c.85T>C, p.Tyr29His (NM_001407039.1, NM_001407040.1, NM_001407036.1); c.88T>C, p.Tyr30His (NM_024429.2, NM_001304531.2, NM_001407034.1 and 1 more transcripts); c.679T>C, p.Tyr227His (NM_001040633.2, NM_001407024.1); c.436T>C, p.Tyr146His (NM_001304527.2, NM_001407029.1); c.439T>C, p.Tyr147His (NM_001363698.2, NM_001407028.1); c.811T>C, p.Tyr271His (NM_001407021.1); c.808T>C, p.Tyr270His (NM_001407022.1, NM_001407023.1); and 6 more; short protein forms Y146H, Y147H, Y163H, Y165H, Y174H, Y175H, Y226H, Y227H.
Identifiers: ClinVar variation 3026848 (VCV003026848.22), dbSNP rs2536587035, ClinGen allele CA370069357.
Genomic context (GRCh38, chr7:151,595,398, plus strand): 5'-CACTTACTTGTAATGTAGTATCAAAGACAACAAGCTTTGAACTGGTTGGAACGATGTCAT[A>G]ACACTTGTGTGACCTCATGAATCGCATGTAAACACCACTTTCTGAGTCTTCTACTGCTAA-3'
Protein context (NP_057287.2, residues 261-281): YMRFMRSHKC[Tyr271His]DIVPTSSKLV

ClinVar aggregate classification (germline): Uncertain significance (1 of 4 stars; one submission).

Allele frequency attached by ClinVar (database versions not stated): gnomAD exomes below 0.00001.
gnomAD v4.1: 2 of 1,614,138 alleles (0.00012%); highest among the groups gnomAD compares: Non-Finnish European, 0.00017%; no homozygotes.

Submission:

CeGaT Center for Human Genetics Tuebingen
Classification: Uncertain significance. Last evaluated: 2024-01-01. Review status: criteria provided, single submitter. Criteria: CeGaT Center For Human Genetics Tuebingen Variant Classification Criteria Version 2. Collection method: clinical testing. Allele origin: germline. Affected: yes. Observed: 1 variant allele.
Comment: PRKAG2: PM2, PP3